The following is an entry in ClinVar:

ClinVar aggregate classification (germline): Uncertain significance (1 of 4 stars; one submission).

Conditions:
Saldino-Mainzer syndrome (SRTD9). Also called: Renal dysplasia, retinal pigmentary dystrophy, cerebellar ataxia and skeletal dysplasia; CONORENAL SYNDROME; SHORT-RIB THORACIC DYSPLASIA 9 WITHOUT POLYDACTYLY; short-rib thoracic dysplasia 9 with or without polydactyly. Identifiers: Orphanet 140969, MedGen C1849437, MONDO:0009964, OMIM 266920.

Allele frequency attached by ClinVar (database versions not stated): TOPMed 0.00001.

Submission:

Labcorp Genetics (formerly Invitae), Labcorp
Classification: Uncertain significance for Saldino-Mainzer syndrome. Last evaluated: 2024-12-16. Review status: criteria provided, single submitter. Criteria: Invitae Variant Classification Sherloc (09022015). Collection method: clinical testing. Allele origin: germline.
Comment: This sequence change replaces leucine, which is neutral and non-polar, with glutamine, which is neutral and polar, at codon 1382 of the IFT140 protein (p.Leu1382Gln). This variant is not present in population databases (gnomAD no frequency). This variant has not been reported in the literature in individuals affected with IFT140-related conditions. ClinVar contains an entry for this variant (Variation ID: 1474547). Invitae Evidence Modeling of protein sequence and biophysical properties (such as structural, functional, and spatial information, amino acid conservation, physicochemical variation, residue mobility, and thermodynamic stability) has been performed for this missense variant. However, the output from this modeling did not meet the statistical confidence thresholds required to predict the impact of this variant on IFT140 protein function. In summary, the available evidence is currently insufficient to determine the role of this variant in disease. Therefore, it has been classified as a Variant of Uncertain Significance.

NM_014714.4(IFT140):c.4145T>A (p.Leu1382Gln)

Gene: IFT140 (intraflagellar transport 140; minus strand). Cytogenetic location: 16p13.3.
Variant type: single nucleotide variant.
Coding change: c.4145T>A on transcript NM_014714.4 (MANE Select); coding-DNA position 4145, T replaced by A.
Protein change: p.Leu1382Gln; replaces leucine 1382 with glutamine.
Molecular consequence: missense variant.
Genome position (GRCh38, 1-based): chr16:1,518,253, A>T on the plus strand (T>A on the coding strand, the complement: IFT140 is on the minus strand). VCF-style: chr16-1518253-A-T. GRCh37 (hg19) VCF-style: chr16-1568254-A-T.
Other names: short protein forms L1382Q.
Identifiers: ClinVar variation 1474547 (VCV001474547.6), dbSNP rs1454067964, ClinGen allele CA394223623.